The following is an entry in ClinVar:

ClinVar aggregate classification (germline): Pathogenic (1 of 4 stars; one submission).

Conditions:
Hereditary cancer-predisposing syndrome. Also called: Neoplastic Syndromes, Hereditary; Tumor predisposition; Hereditary Cancer Syndrome; Hereditary neoplastic syndrome. Identifiers: Orphanet 140162, MedGen C0027672, MeSH D009386, MONDO:0015356.

Submission:

Ambry Genetics
Classification: Pathogenic for Hereditary cancer-predisposing syndrome. Last evaluated: 2025-10-30. Review status: criteria provided, single submitter. Criteria: Ambry Variant Classification Scheme 2023. Collection method: clinical testing. Allele origin: germline.
Comment: The p.Y546* pathogenic mutation (also known as c.1638C>A), located in coding exon 13 of the BAP1 gene, results from a C to A substitution at nucleotide position 1638. This changes the amino acid from a tyrosine to a stop codon within coding exon 13. This variant is considered to be rare based on population cohorts in the Genome Aggregation Database (gnomAD). This alteration is expected to result in loss of function by premature protein truncation or nonsense-mediated mRNA decay. As such, this alteration is interpreted as a disease-causing mutation.

NM_004656.4(BAP1):c.1638C>A (p.Tyr546Ter)

Gene: BAP1 (BRCA1 associated deubiquitinase 1; minus strand). Cytogenetic location: 3p21.1.
Variant type: single nucleotide variant.
Coding change: c.1638C>A on transcript NM_004656.4 (MANE Select); coding-DNA position 1638, C replaced by A.
Protein change: p.Tyr546Ter; replaces tyrosine 546 with a stop codon.
Molecular consequence: nonsense.
Genome position (GRCh38, 1-based): chr3:52,403,507, G>T on the plus strand (C>A on the coding strand, the complement: BAP1 is on the minus strand). VCF-style: chr3-52403507-G-T. GRCh37 (hg19) VCF-style: chr3-52437523-G-T.
Other names: c.1584C>A, p.Tyr528Ter (NM_001410772.1); short protein forms Y528*, Y546*.
Identifiers: ClinVar variation 4620612 (VCV004620612.1).